The following is an entry in ClinVar:

ClinVar aggregate classification (germline): Uncertain significance (1 of 4 stars; one submission).

Conditions:
Arrhythmogenic right ventricular dysplasia 13. Also called: ARRHYTHMOGENIC RIGHT VENTRICULAR CARDIOMYOPATHY 13; Arrhythmogenic right ventricular dysplasia, familial, 13. Identifiers: MedGen C3810138, MONDO:0000908, OMIM 615616.

Submission:

Labcorp Genetics (formerly Invitae), Labcorp
Classification: Uncertain significance for Arrhythmogenic right ventricular dysplasia 13. Last evaluated: 2025-08-29. Review status: criteria provided, single submitter. Criteria: Invitae Variant Classification Sherloc (09022015). Collection method: clinical testing. Allele origin: germline.
Comment: This sequence change replaces asparagine, which is neutral and polar, with serine, which is neutral and polar, at codon 349 of the CTNNA3 protein (p.Asn349Ser). This variant is not present in population databases (gnomAD no frequency). This variant has not been reported in the literature in individuals affected with CTNNA3-related conditions. An algorithm developed to predict the effect of missense changes on protein structure and function (PolyPhen-2) suggests that this variant is likely to be disruptive. In summary, the available evidence is currently insufficient to determine the role of this variant in disease. Therefore, it has been classified as a Variant of Uncertain Significance.

NM_013266.4(CTNNA3):c.1046A>G (p.Asn349Ser)

Gene: CTNNA3 (catenin alpha 3; minus strand). Cytogenetic location: 10q21.3.
Variant type: single nucleotide variant.
Coding change: c.1046A>G on transcript NM_013266.4 (MANE Select); coding-DNA position 1046, A replaced by G.
Protein change: p.Asn349Ser; replaces asparagine 349 with serine.
Molecular consequence: missense variant.
Genome position (GRCh38, 1-based): chr10:67,180,318, T>C on the plus strand (A>G on the coding strand, the complement: CTNNA3 is on the minus strand). VCF-style: chr10-67180318-T-C. GRCh37 (hg19) VCF-style: chr10-68940076-T-C.
Other names: c.1046A>G, p.Asn349Ser (NM_001127384.3); c.1082A>G, p.Asn361Ser (NM_001291133.2); short protein forms N349S, N361S.
Identifiers: ClinVar variation 4707062 (VCV004707062.1).